The following is an entry in ClinVar:

NM_000440.3(PDE6A):c.159C>A (p.Ser53Arg)

Gene: PDE6A (phosphodiesterase 6A; minus strand). Cytogenetic location: 5q32.
Variant type: single nucleotide variant.
Coding change: c.159C>A on transcript NM_000440.3 (MANE Select); coding-DNA position 159, C replaced by A.
Protein change: p.Ser53Arg; replaces serine 53 with arginine.
Molecular consequence: missense variant.
Genome position (GRCh38, 1-based): chr5:149,944,515, G>T on the plus strand (C>A on the coding strand, the complement: PDE6A is on the minus strand). VCF-style: chr5-149944515-G-T. GRCh37 (hg19) VCF-style: chr5-149324078-G-T.
Other names: short protein forms S53R.
Identifiers: ClinVar variation 352007 (VCV000352007.12), dbSNP rs762456548, ClinGen allele CA3505128.

ClinVar aggregate classification (germline): Uncertain significance. Review status: criteria provided, multiple submitters, no conflicts (2 of 4 stars). 3 submissions from 3 submitters: Uncertain significance (3). Last evaluated 2024-06-14.

Conditions:
Retinitis pigmentosa (RP). Identifiers: Orphanet 791, MedGen C0035334, MeSH D012174, MONDO:0019200, OMIM 268000. Inheritance: Autosomal dominant, autosomal recessive and X linked inheritance.

Allele frequency attached by ClinVar (database versions not stated): gnomAD below 0.00001 and 0.00001; TOPMed 0.00001; gnomAD exomes 0.00003 and 0.00004; ExAC 0.00004.
gnomAD v4.1: 53 of 1,614,030 alleles (0.0033%); highest among the groups gnomAD compares: South Asian, 0.0077%; no homozygotes.

Submissions (3):

Blueprint Genetics
Classification: Uncertain significance. Last evaluated: 2024-06-14. Review status: criteria provided, single submitter. Criteria: ACMG Guidelines, 2015. Collection method: clinical testing. Allele origin: germline.

Labcorp Genetics (formerly Invitae), Labcorp
Classification: Uncertain significance. Last evaluated: 2022-08-21. Review status: criteria provided, single submitter. Criteria: Invitae Variant Classification Sherloc (09022015). Collection method: clinical testing. Allele origin: germline.
Comment: In summary, the available evidence is currently insufficient to determine the role of this variant in disease. Therefore, it has been classified as a Variant of Uncertain Significance. Algorithms developed to predict the effect of missense changes on protein structure and function are either unavailable or do not agree on the potential impact of this missense change (SIFT: "Deleterious"; PolyPhen-2: "Benign"; Align-GVGD: "Class C0"). ClinVar contains an entry for this variant (Variation ID: 352007). This variant has not been reported in the literature in individuals affected with PDE6A-related conditions. This variant is present in population databases (rs762456548, gnomAD 0.01%). This sequence change replaces serine, which is neutral and polar, with arginine, which is basic and polar, at codon 53 of the PDE6A protein (p.Ser53Arg).

Illumina Laboratory Services, Illumina
Classification: Uncertain significance for Retinitis pigmentosa. Last evaluated: 2018-01-12. Review status: criteria provided, single submitter. Criteria: ICSL Variant Classification Criteria 13 December 2019. Collection method: clinical testing. Allele origin: germline.